The following is an entry in ClinVar:

NM_000552.5(VWF):c.8155+3G>C

Gene: VWF (von Willebrand factor; minus strand). Cytogenetic location: 12p13.31.
Variant type: single nucleotide variant.
Coding change: c.8155+3G>C on transcript NM_000552.5 (MANE Select); 3 bases into the intron after coding-DNA position 8155, G replaced by C.
Molecular consequence: intron variant.
Genome position (GRCh38, 1-based): chr12:5,951,841, C>G on the plus strand (G>C on the coding strand, the complement: VWF is on the minus strand). VCF-style: chr12-5951841-C-G. GRCh37 (hg19) VCF-style: chr12-6061007-C-G.
Identifiers: ClinVar variation 100490 (VCV000100490.4), dbSNP rs61751304, ClinGen allele CA228825.
Genomic context (GRCh38, chr12:5,951,841, plus strand): 5'-GCAAAGAGCCCCTGGACTTGCTCTGATGGGTTTCAAGGGACAAGATATTAGTAACGCACT[C>G]ACATGTGTCACAGCAGGTGCCTGGAATTTTCATAATTTTACCCTAAGAAAACAGCAAAAT-3'

ClinVar aggregate classification (germline): Likely pathogenic. Review status: no assertion criteria provided (0 of 4 stars). 2 submissions from 2 submitters: Likely pathogenic (1). 1 of the submissions does not count toward it. Last evaluated 2020-11-01.

Conditions:
von Willebrand disease type 3 (VWD3). Also called: Type 3 Von Willebrand's disease; Type 3 VWD; Von Willebrand disease, severe form; V WD3; VON WILLEBRAND DISEASE, TYPE III. Identifiers: Orphanet 166096, MedGen C1264041, MONDO:0010191, OMIM 277480.

Submissions (2):

Angelo Bianchi Bonomi Hemophilia and Thrombosis Center, Fondazione IRCCS Ca Granda Ospedale Maggiore Policlinico
Classification: Likely pathogenic for von Willebrand disease type 3. Last evaluated: 2020-11-01. Review status: no assertion criteria provided. Collection method: clinical testing. Allele origin: germline. Affected: yes. Study: Type 3 Von Willebrand International Registries Inhibitor Prospective Study (3WINTERS-IPS).
Comment: ClinGen Pathogenicity Calculator

Academic Unit of Haematology, University of Sheffield
No classification provided. Review status: no classification provided. Collection method: not provided. Allele origin: not provided. Not counted in ClinVar's aggregate classification.